The following is an entry in ClinVar:

NM_000535.7(PMS2):c.1643A>T (p.Asp548Val)

Gene: PMS2 (PMS1 homolog 2, mismatch repair system component; minus strand). Cytogenetic location: 7p22.1.
Variant type: single nucleotide variant.
Coding change: c.1643A>T on transcript NM_000535.7 (MANE Select); coding-DNA position 1643, A replaced by T.
Protein change: p.Asp548Val; replaces aspartic acid 548 with valine.
Molecular consequence: missense variant. On other transcripts: non-coding transcript variant (1), intron variant (1).
Genome position (GRCh38, 1-based): chr7:5,987,122, T>A on the plus strand (A>T on the coding strand, the complement: PMS2 is on the minus strand). VCF-style: chr7-5987122-T-A. GRCh37 (hg19) VCF-style: chr7-6026753-T-A.
Other names: c.1238A>T, p.Asp413Val (NM_001018040.1, NM_001322003.2, NM_001322004.2 and 17 more transcripts); c.1487A>T, p.Asp496Val (NM_001322006.2, NM_001406870.1); c.1325A>T, p.Asp442Val (NM_001322007.2, NM_001322008.2, NM_001406876.1 and 2 more transcripts); c.1082A>T, p.Asp361Val (NM_001322010.2, NM_001406906.1, NM_001406907.1); c.710A>T, p.Asp237Val (NM_001322011.2, NM_001322012.2); c.1070A>T, p.Asp357Val (NM_001322013.2, NM_001406909.1); c.1643A>T, p.Asp548Val (NM_001322014.2, NM_001406871.1, NM_001406872.1); c.1334A>T, p.Asp445Val (NM_001322015.2, NM_001406875.1, NM_001406877.1 and 5 more transcripts); and 13 more; short protein forms D237V, D291V, D357V, D361V, D377V, D390V, D393V, D413V.
Identifiers: ClinVar variation 3074526 (VCV003074526.4), dbSNP rs1269515306, ClinGen allele CA366741410.

ClinVar aggregate classification (germline): Uncertain significance. Review status: criteria provided, multiple submitters, no conflicts (2 of 4 stars). 3 submissions from 3 submitters: Uncertain significance (3). Last evaluated 2025-04-25.

Conditions:
Hereditary nonpolyposis colorectal neoplasms. Identifiers: MedGen C0009405, MeSH D003123.
Hereditary cancer-predisposing syndrome. Also called: Neoplastic Syndromes, Hereditary; Tumor predisposition; Hereditary neoplastic syndrome; Hereditary Cancer Syndrome. Identifiers: Orphanet 140162, MedGen C0027672, MeSH D009386, MONDO:0015356.
Lynch syndrome. Identifiers: Orphanet 144, MedGen C4552100, MONDO:0005835. Disease mechanism: loss of function.

Submissions (3):

Ambry Genetics
Classification: Uncertain significance for Hereditary cancer-predisposing syndrome. Last evaluated: 2025-04-25. Review status: criteria provided, single submitter. Criteria: Ambry Variant Classification Scheme 2023. Collection method: clinical testing. Allele origin: germline.
Comment: The p.D548V variant (also known as c.1643A>T), located in coding exon 11 of the PMS2 gene, results from an A to T substitution at nucleotide position 1643. The aspartic acid at codon 548 is replaced by valine, an amino acid with highly dissimilar properties. This amino acid position is conserved. In addition, this alteration is predicted to be tolerated by in silico analysis. Based on the available evidence, the clinical significance of this variant remains unclear.

Labcorp Genetics (formerly Invitae), Labcorp
Classification: Uncertain significance for Hereditary nonpolyposis colorectal neoplasms. Last evaluated: 2024-02-13. Review status: criteria provided, single submitter. Criteria: Invitae Variant Classification Sherloc (09022015). Collection method: clinical testing. Allele origin: germline.
Comment: This sequence change replaces aspartic acid, which is acidic and polar, with valine, which is neutral and non-polar, at codon 548 of the PMS2 protein (p.Asp548Val). This variant is not present in population databases (gnomAD no frequency). This variant has not been reported in the literature in individuals affected with PMS2-related conditions. Advanced modeling of protein sequence and biophysical properties (such as structural, functional, and spatial information, amino acid conservation, physicochemical variation, residue mobility, and thermodynamic stability) performed at Invitae indicates that this missense variant is not expected to disrupt PMS2 protein function with a negative predictive value of 80%. In summary, the available evidence is currently insufficient to determine the role of this variant in disease. Therefore, it has been classified as a Variant of Uncertain Significance.

All of Us Research Program, National Institutes of Health
Classification: Uncertain significance for Lynch syndrome. Last evaluated: 2023-11-20. Review status: criteria provided, single submitter. Criteria: ACMG Guidelines, 2015. Collection method: clinical testing. Allele origin: germline. Inheritance: Autosomal dominant inheritance. Observed: 1 variant allele, 1 heterozygote.
Comment: This missense variant replaces aspartic acid with valine at codon 548 of the PMS2 protein. Computational prediction suggests that this variant may not impact protein structure and function (internally defined REVEL score threshold <= 0.5, PMID: 27666373). To our knowledge, functional studies have not been reported for this variant. This variant has not been reported in individuals affected with PMS2-related disorders in the literature. This variant has not been identified in the general population by the Genome Aggregation Database (gnomAD). The available evidence is insufficient to determine the role of this variant in disease conclusively. Therefore, this variant is classified as a Variant of Uncertain Significance.

This study involves interpretation of variants in research participants for the purpose of population health screening. Participant phenotype was not available at the time of variant classification. Additional details can be found in publication PMID: 35346344, PMCID: PMC8962531